The following is an entry in ClinVar:

ClinVar aggregate classification (germline): Uncertain significance (1 of 4 stars; one submission).

Submission:

Ambry Genetics
Classification: Uncertain significance. Last evaluated: 2025-02-14. Review status: criteria provided, single submitter. Criteria: Ambry Variant Classification Scheme 2023. Collection method: clinical testing. Allele origin: germline.
Comment: The p.L11R variant (also known as c.32T>G), located in coding exon 1 of the MC1R gene, results from a T to G substitution at nucleotide position 32. The leucine at codon 11 is replaced by arginine, an amino acid with dissimilar properties. This amino acid position is conserved. In addition, this alteration is predicted to be tolerated by in silico analysis. Based on the available evidence, the clinical significance of this variant remains unclear.

NM_002386.4(MC1R):c.32T>G (p.Leu11Arg)

Gene: MC1R (melanocortin 1 receptor; plus strand). Cytogenetic location: 16q24.3.
Variant type: single nucleotide variant.
Coding change: c.32T>G on transcript NM_002386.4 (MANE Select); coding-DNA position 32, T replaced by G.
Protein change: p.Leu11Arg; replaces leucine 11 with arginine.
Molecular consequence: missense variant.
Genome position (GRCh38, 1-based): chr16:89,919,290, T>G. VCF-style: chr16-89919290-T-G. GRCh37 (hg19) VCF-style: chr16-89985698-T-G.
Other names: short protein forms L11R.
Identifiers: ClinVar variation 3871114 (VCV003871114.1).